The following is an entry in ClinVar:

ClinVar aggregate classification (germline): Likely benign. Review status: criteria provided, multiple submitters, no conflicts (2 of 4 stars). 3 submissions from 3 submitters: Likely benign (3). Last evaluated 2026-02-23.

Conditions:
RPL9-related disorder. Also called: RPL9-related condition.

Allele frequency attached by ClinVar (database versions not stated): gnomAD exomes 0.00002; ExAC 0.00007; ESP Exome Variant Server 0.00008; gnomAD 0.00025; TOPMed 0.00029.
gnomAD v4.1: 75 of 1,613,512 alleles (0.0046%); highest among the groups gnomAD compares: African/African-American, 0.08%; no homozygotes.

Submissions (3):

PreventionGenetics, part of Exact Sciences
Classification: Likely benign for RPL9-related condition. Last evaluated: 2026-02-23. Review status: criteria provided, single submitter. Criteria: ACMG Guidelines, 2015. Collection method: clinical testing. Allele origin: germline.
Comment: This variant is classified as likely benign based on ACMG/AMP sequence variant interpretation guidelines (Richards et al. 2015 PMID: 25741868, with internal and published modifications).

Labcorp Genetics (formerly Invitae), Labcorp
Classification: Likely benign. Last evaluated: 2025-12-01. Review status: criteria provided, single submitter. Criteria: Invitae Variant Classification Sherloc (09022015). Collection method: clinical testing. Allele origin: germline.

Blueprint Genetics
Classification: Likely benign. Last evaluated: 2024-09-16. Review status: criteria provided, single submitter. Criteria: ACMG Guidelines, 2015. Collection method: clinical testing. Allele origin: germline.

NM_000661.5(RPL9):c.405A>G (p.Ser135=)

Gene: RPL9 (ribosomal protein L9; minus strand). Cytogenetic location: 4p14.
Variant type: single nucleotide variant.
Coding change: c.405A>G on transcript NM_000661.5 (MANE Select); coding-DNA position 405, A replaced by G.
Protein change: p.Ser135=; no amino-acid change (serine 135 retained).
Molecular consequence: synonymous variant.
Genome position (GRCh38, 1-based): chr4:39,454,931, T>C on the plus strand (A>G on the coding strand, the complement: RPL9 is on the minus strand). VCF-style: chr4-39454931-T-C. GRCh37 (hg19) VCF-style: chr4-39456551-T-C.
Other names: c.405A>G, p.Ser135= (NM_001024921.4); c.405A>G (NM_001024921.3).
Identifiers: ClinVar variation 2191081 (VCV002191081.6), dbSNP rs372055477, ClinGen allele CA2894248.